The following is an entry in ClinVar:

ClinVar aggregate classification (germline): Uncertain significance. Review status: criteria provided, multiple submitters, no conflicts (2 of 4 stars). 3 submissions from 3 submitters: Uncertain significance (3). Last evaluated 2025-08-04.

Conditions:
Alstrom syndrome (ALMS). Identifiers: Orphanet 64, MedGen C0268425, MONDO:0008763, OMIM 203800.
Cardiovascular phenotype. Identifiers: MedGen CN230736.

Allele frequency attached by ClinVar (database versions not stated): TOPMed below 0.00001.

Submissions (3):

Ambry Genetics
Classification: Uncertain significance for Cardiovascular phenotype. Last evaluated: 2025-08-04. Review status: criteria provided, single submitter. Criteria: Ambry Variant Classification Scheme 2023. Collection method: clinical testing. Allele origin: germline.
Comment: The p.Q1677R variant (also known as c.5030A>G), located in coding exon 8 of the ALMS1 gene, results from an A to G substitution at nucleotide position 5030. The glutamine at codon 1677 is replaced by arginine, an amino acid with highly similar properties. This amino acid position is well conserved in available vertebrate species. In addition, this alteration is predicted to be tolerated by in silico analysis. Based on the available evidence, the clinical significance of this variant remains unclear.

GeneDx
Classification: Uncertain significance. Last evaluated: 2024-02-27. Review status: criteria provided, single submitter. Criteria: GeneDx Variant Classification Process June 2021. Collection method: clinical testing. Allele origin: germline. Affected: yes.
Comment: Not observed at significant frequency in large population cohorts (gnomAD); In silico analysis supports that this missense variant does not alter protein structure/function; Has not been previously published as pathogenic or benign to our knowledge

Labcorp Genetics (formerly Invitae), Labcorp
Classification: Uncertain significance for Alstrom syndrome. Last evaluated: 2022-07-25. Review status: criteria provided, single submitter. Criteria: Invitae Variant Classification Sherloc (09022015). Collection method: clinical testing. Allele origin: germline.
Comment: This sequence change replaces glutamine, which is neutral and polar, with arginine, which is basic and polar, at codon 1677 of the ALMS1 protein (p.Gln1677Arg). This variant is not present in population databases (gnomAD no frequency). In summary, the available evidence is currently insufficient to determine the role of this variant in disease. Therefore, it has been classified as a Variant of Uncertain Significance. Experimental studies and prediction algorithms are not available or were not evaluated, and the functional significance of this variant is currently unknown. This variant has not been reported in the literature in individuals affected with ALMS1-related conditions.

NM_001378454.1(ALMS1):c.5027A>G (p.Gln1676Arg)

Gene: ALMS1 (ALMS1 centrosome and basal body associated protein; plus strand). Cytogenetic location: 2p13.1.
Variant type: single nucleotide variant.
Coding change: c.5027A>G on transcript NM_001378454.1 (MANE Select); coding-DNA position 5027, A replaced by G.
Protein change: p.Gln1676Arg; replaces glutamine 1676 with arginine.
Molecular consequence: missense variant.
Genome position (GRCh38, 1-based): chr2:73,451,554, A>G. VCF-style: chr2-73451554-A-G. GRCh37 (hg19) VCF-style: chr2-73678681-A-G.
Other names: c.5030A>G, p.Gln1677Arg (NM_015120.4); short protein forms Q1676R, Q1677R.
Identifiers: ClinVar variation 2079129 (VCV002079129.6), dbSNP rs865896282, ClinGen allele CA50396205.